The following is an entry in ClinVar:

ClinVar aggregate classification (germline): Likely benign (1 of 4 stars; one submission).

Submission:

Center for Genomic Medicine, Rigshospitalet, Copenhagen University Hospital
Classification: Likely benign. Last evaluated: 2025-12-29. Review status: criteria provided, single submitter. Criteria: ACMG Guidelines, 2015. Collection method: clinical testing. Allele origin: germline.
Comment: Classification criteria: BP4, BP7

NM_003000.3(SDHB):c.766-49T>C

Genes: SDHB (succinate dehydrogenase complex iron sulfur subunit B; minus strand), LOC129929541 (ATAC-STARR-seq lymphoblastoid active region 276; plus strand). Cytogenetic location: 1p36.13.
Variant type: single nucleotide variant.
Coding change: c.766-49T>C on transcript NM_003000.3 (MANE Select); 49 bases into the intron before coding-DNA position 766, T replaced by C.
Molecular consequence: intron variant.
Genome position (GRCh38, 1-based): chr1:17,019,007, A>G on the plus strand (T>C on the coding strand, the complement: SDHB is on the minus strand). VCF-style: chr1-17019007-A-G. GRCh37 (hg19) VCF-style: chr1-17345502-A-G.
Other names: c.712-49T>C (NM_001407361.1).
Identifiers: ClinVar variation 4539492 (VCV004539492.1).